The following is an entry in ClinVar:

NM_000455.5(STK11):c.127G>C (p.Ala43Pro)

Gene: STK11 (serine/threonine kinase 11; plus strand). Cytogenetic location: 19p13.3.
Variant type: single nucleotide variant.
Coding change: c.127G>C on transcript NM_000455.5 (MANE Select); coding-DNA position 127, G replaced by C.
Protein change: p.Ala43Pro; replaces alanine 43 with proline.
Molecular consequence: missense variant. On other transcripts: non-coding transcript variant (1).
Genome position (GRCh38, 1-based): chr19:1,207,040, G>C. VCF-style: chr19-1207040-G-C. GRCh37 (hg19) VCF-style: chr19-1207039-G-C.
Other names: c.127G>C, p.Ala43Pro (NM_001407255.1); short protein forms A43P.
Identifiers: ClinVar variation 3450579 (VCV003450579.1).

ClinVar aggregate classification (germline): Uncertain significance (1 of 4 stars; one submission).

Conditions:
Hereditary cancer-predisposing syndrome. Also called: Tumor predisposition; Neoplastic Syndromes, Hereditary; Hereditary neoplastic syndrome; Hereditary Cancer Syndrome. Identifiers: Orphanet 140162, MedGen C0027672, MeSH D009386, MONDO:0015356.

Submission:

Ambry Genetics
Classification: Uncertain significance for Hereditary cancer-predisposing syndrome. Last evaluated: 2024-09-09. Review status: criteria provided, single submitter. Criteria: Ambry Variant Classification Scheme 2023. Collection method: clinical testing. Allele origin: germline.
Comment: The p.A43P variant (also known as c.127G>C), located in coding exon 1 of the STK11 gene, results from a G to C substitution at nucleotide position 127. The alanine at codon 43 is replaced by proline, an amino acid with highly similar properties. This amino acid position is conserved. In addition, the in silico prediction for this alteration is inconclusive. Based on the available evidence, the clinical significance of this variant remains unclear.